The following is an entry in ClinVar:

NM_001365536.1(SCN9A):c.121G>A (p.Asp41Asn)

Gene: SCN9A (sodium voltage-gated channel alpha subunit 9; minus strand). Cytogenetic location: 2q24.3.
Variant type: single nucleotide variant.
Coding change: c.121G>A on transcript NM_001365536.1 (MANE Select); coding-DNA position 121, G replaced by A.
Protein change: p.Asp41Asn; replaces aspartic acid 41 with asparagine.
Molecular consequence: missense variant.
Genome position (GRCh38, 1-based): chr2:166,311,636, C>T on the plus strand (G>A on the coding strand, the complement: SCN9A is on the minus strand). VCF-style: chr2-166311636-C-T. GRCh37 (hg19) VCF-style: chr2-167168146-C-T.
Other names: c.121G>A, p.Asp41Asn (NM_002977.4); short protein forms D41N.
Identifiers: ClinVar variation 1018459 (VCV001018459.9), dbSNP rs529727269, ClinGen allele CA349096061.

ClinVar aggregate classification (germline): Uncertain significance (1 of 4 stars; one submission).

Conditions:
Neuropathy, hereditary sensory and autonomic, type 2A (HSAN2A). Also called: HSAN IIA; ACROOSTEOLYSIS, GIACCAI TYPE; ACROOSTEOLYSIS, NEUROGENIC; MORVAN DISEASE; NEUROPATHY, CONGENITAL SENSORY; NEUROPATHY, HEREDITARY SENSORY RADICULAR, AUTOSOMAL RECESSIVE. Identifiers: Orphanet 970, MedGen C2752089, MONDO:0024309, OMIM 201300.
Generalized epilepsy with febrile seizures plus, type 7 (GEFSP7). Also called: GEFS+, TYPE 7. Identifiers: Orphanet 36387, MedGen C2751778, MONDO:0013470, OMIM 613863.

Submission:

Labcorp Genetics (formerly Invitae), Labcorp
Classification: Uncertain significance for Neuropathy, hereditary sensory and autonomic, type 2A; Generalized epilepsy with febrile seizures plus, type 7. Last evaluated: 2022-01-13. Review status: criteria provided, single submitter. Criteria: Invitae Variant Classification Sherloc (09022015). Collection method: clinical testing. Allele origin: germline.
Comment: This variant is not present in population databases (gnomAD no frequency). This variant has not been reported in the literature in individuals affected with SCN9A-related conditions. ClinVar contains an entry for this variant (Variation ID: 1018459). Algorithms developed to predict the effect of missense changes on protein structure and function are either unavailable or do not agree on the potential impact of this missense change (SIFT: "Deleterious"; PolyPhen-2: "Benign"; Align-GVGD: "Class C0"). In summary, the available evidence is currently insufficient to determine the role of this variant in disease. Therefore, it has been classified as a Variant of Uncertain Significance. This sequence change replaces aspartic acid, which is acidic and polar, with asparagine, which is neutral and polar, at codon 41 of the SCN9A protein (p.Asp41Asn).